The following is an entry in ClinVar:

ClinVar aggregate classification (germline): Benign (1 of 4 stars; one submission).

Conditions:
Goldberg-Shprintzen syndrome. Identifiers: Orphanet 66629, MedGen C1836123, MONDO:0012280, OMIM 609460.

Allele frequency attached by ClinVar (database versions not stated): 1000 Genomes Project 0.36382; 1000 Genomes Project 30x 0.36680; TOPMed 0.41597; gnomAD exomes 0.41913; gnomAD 0.41926 and 0.42385.
gnomAD v4.1: 65,440 of 155,812 alleles (42%); highest among the groups gnomAD compares: Non-Finnish European, 49%; 14,167 homozygotes.

Submission:

Illumina Laboratory Services, Illumina
Classification: Benign for Goldberg-Shprintzen syndrome. Last evaluated: 2018-01-13. Review status: criteria provided, single submitter. Criteria: ICSL Variant Classification Criteria 13 December 2019. Collection method: clinical testing. Allele origin: germline.
Comment: This variant was observed in the ICSL laboratory as part of a predisposition screen in an ostensibly healthy population. It had not been previously curated by ICSL or reported in the Human Gene Mutation Database (HGMD: prior to June 1st, 2018), and was therefore a candidate for classification through an automated scoring system. Utilizing variant allele frequency, disease prevalence and penetrance estimates, and inheritance mode, an automated score was calculated to assess if this variant is too frequent to cause the disease. Based on the score and internal cut-off values, a variant classified as benign is not then subjected to further curation. The score for this variant resulted in a classification of benign for this disease.

NM_015634.4(KIFBP):c.*422A>C

Gene: KIFBP (kinesin family binding protein; plus strand). Cytogenetic location: 10q22.1.
Variant type: single nucleotide variant.
Coding change: c.*422A>C on transcript NM_015634.4 (MANE Select); 422 bases downstream of the stop codon, A replaced by C.
Molecular consequence: 3 prime UTR variant.
Genome position (GRCh38, 1-based): chr10:69,016,838, A>C. VCF-style: chr10-69016838-A-C. GRCh37 (hg19) VCF-style: chr10-70776594-A-C.
Identifiers: ClinVar variation 878762 (VCV000878762.4), dbSNP rs6864, ClinGen allele CA15643663.